The following is an entry in ClinVar:

ClinVar aggregate classification (germline): Conflicting classifications of pathogenicity. Review status: criteria provided, conflicting classifications (1 of 4 stars). 9 submissions from 9 submitters: Uncertain significance (3); Benign (3); Likely benign (3). Last evaluated 2026-10-19.

Conditions:
SLC34A3-related disorder. Also called: SLC34A3-related condition.
Autosomal recessive hypophosphatemic bone disease (HHRH). Also called: Hypophosphatemic rickets with hypercalciuria; HYPERCALCIURIC RICKETS. Identifiers: Orphanet 157215, MedGen C1853271, MONDO:0009431, OMIM 241530.

Allele frequency attached by ClinVar (database versions not stated): 1000 Genomes Project 30x 0.00047; 1000 Genomes Project 0.00060; ESP Exome Variant Server 0.00139; gnomAD exomes 0.00197 and 0.00253; gnomAD 0.00210 and 0.00215; ExAC 0.00296.

Submissions (9):

Rare Kidney Stone Consortium and the Mayo Clinic Hyperoxaluria Center, Mayo Clinic
Classification: Uncertain significance for Autosomal recessive hypophosphatemic bone disease. Last evaluated: 2026-10-19. Review status: criteria provided, single submitter. Criteria: ACMG Guidelines, 2015. Collection method: research. Allele origin: germline. Affected: yes. Observed: 2 variant alleles.
Comment: ACMG: PM1, PM3, PP4, BP6, BS1

1 x monoallelic case (complex allele w/c.1585A>T), 1 x complex allele w/c.1585A>T

PreventionGenetics, part of Exact Sciences
Classification: Uncertain significance for SLC34A3-related condition. Last evaluated: 2026-08-26. Review status: criteria provided, single submitter. Criteria: ACMG Guidelines, 2015. Collection method: clinical testing. Allele origin: germline.
Comment: The SLC34A3 c.1454G>A variant is predicted to result in the amino acid substitution p.Arg485His. This variant has been reported, in cis or presumed cis with a second SLC34A3 variant (c.1585A>T) in an individual with hypophosphataemic rickets with hypercalciuria and in at least two individuals with kidney stones (Halbritter et al. 2015. PubMed ID: 25296721; Cogal et al. 2021. PubMed ID: 34805638; Brazier et al. 2023. PubMed ID: 36596813). In a phosphate uptake experiment, phosphate accumulation was almost completely abolished (Brazier et al. 2023. PubMed ID: 36596813). This variant is reported in 0.68% of alleles in individuals of European (Finnish) descent in gnomAD and has conflicting classifications listed in ClinVar ranging from benign to likely pathogenic (Variation ID: 194279). At this time, the clinical significance of this variant is uncertain due to the absence of conclusive functional and genetic evidence.

Labcorp Genetics (formerly Invitae), Labcorp
Classification: Benign. Last evaluated: 2026-01-19. Review status: criteria provided, single submitter. Criteria: Invitae Variant Classification Sherloc (09022015). Collection method: clinical testing. Allele origin: germline.

Mayo Clinic Laboratories, Mayo Clinic
Classification: Uncertain significance. Last evaluated: 2025-01-24. Review status: criteria provided, single submitter. Criteria: ACMG Guidelines, 2015. Collection method: clinical testing. Allele origin: germline. Observed: 3 variant alleles.

Blueprint Genetics
Classification: Likely benign. Last evaluated: 2024-11-01. Review status: criteria provided, single submitter. Criteria: ACMG Guidelines, 2015. Collection method: clinical testing. Allele origin: germline.

CeGaT Center for Human Genetics Tuebingen
Classification: Likely benign. Last evaluated: 2023-09-01. Review status: criteria provided, single submitter. Criteria: CeGaT Center For Human Genetics Tuebingen Variant Classification Criteria Version 2. Collection method: clinical testing. Allele origin: germline. Affected: yes. Observed: 6 variant alleles.
Comment: SLC34A3: BS2

ARUP Laboratories, Molecular Genetics and Genomics, ARUP Laboratories
Classification: Likely benign for Autosomal recessive hypophosphatemic bone disease. Last evaluated: 2022-03-17. Review status: criteria provided, single submitter. Criteria: ARUP Molecular Germline Variant Investigation Process 2021. Collection method: clinical testing. Allele origin: germline.

Mendelics
Classification: Benign for Autosomal recessive hypophosphatemic bone disease. Last evaluated: 2019-05-28. Review status: criteria provided, single submitter. Criteria: Mendelics Assertion Criteria 2017. Collection method: clinical testing. Allele origin: unknown.

Eurofins Ntd Llc (ga)
Classification: Benign. Last evaluated: 2015-04-22. Review status: criteria provided, single submitter. Criteria: EGL Classification Definitions 2015. Collection method: clinical testing. Allele origin: germline. Observed: 3 variant alleles, 3 heterozygotes.

Literature cited by the submitters: PubMed 16358214 (cited by Mayo Clinic Laboratories, Mayo Clinic); PubMed 25296721 (cited by Mayo Clinic Laboratories, Mayo Clinic); PubMed 34805638 (cited by Mayo Clinic Laboratories, Mayo Clinic); PubMed 36596813 (cited by Mayo Clinic Laboratories, Mayo Clinic).

NM_001177316.2(SLC34A3):c.1454G>A (p.Arg485His)

Gene: SLC34A3 (solute carrier family 34 member 3; plus strand). Cytogenetic location: 9q34.3.
Variant type: single nucleotide variant.
Coding change: c.1454G>A on transcript NM_001177316.2 (MANE Select); coding-DNA position 1454, G replaced by A.
Protein change: p.Arg485His; replaces arginine 485 with histidine.
Molecular consequence: missense variant.
Genome position (GRCh38, 1-based): chr9:137,236,070, G>A. VCF-style: chr9-137236070-G-A. GRCh37 (hg19) VCF-style: chr9-140130522-G-A.
Other names: p.Arg485His; c.1454G>A, p.Arg485His (NM_001177317.2, NM_080877.3); short protein forms R485H.
Identifiers: ClinVar variation 194279 (VCV000194279.48), dbSNP rs138872455, ClinGen allele CA201090.